The following is an entry in ClinVar:

ClinVar aggregate classification (germline): Pathogenic (1 of 4 stars; one submission).

Submission:

Labcorp Genetics (formerly Invitae), Labcorp
Classification: Pathogenic. Last evaluated: 2023-05-25. Review status: criteria provided, single submitter. Criteria: Invitae Variant Classification Sherloc (09022015). Collection method: clinical testing. Allele origin: germline.
Comment: This sequence change creates a premature translational stop signal (p.Val593Trpfs*13) in the C3 gene. It is expected to result in an absent or disrupted protein product. Loss-of-function variants in C3 are known to be pathogenic (PMID: 12462331, 14639503, 21501302). This variant is not present in population databases (gnomAD no frequency). This variant has not been reported in the literature in individuals affected with C3-related conditions. For these reasons, this variant has been classified as Pathogenic.

Literature cited by the submitters: PubMed 12462331; PubMed 14639503; PubMed 21501302.

NM_000064.4(C3):c.1777del (p.Val593fs)

Gene: C3 (complement C3; minus strand). Cytogenetic location: 19p13.3.
Variant type: Deletion.
Coding change: c.1777del on transcript NM_000064.4 (MANE Select); coding-DNA position 1777, one base deleted (G; older notation c.1777delG).
Protein change: p.Val593fs; shifts the reading frame from valine 593.
Molecular consequence: frameshift variant.
Genome position (GRCh38, 1-based): chr19:6,709,752, C deleted on the plus strand (G on the coding strand, the reverse complement: C3 is on the minus strand); the first of 3 consecutive C bases (chr19:6,709,752-6,709,754); deleting any one gives the same sequence. VCF-style (leftmost placement, unchanged base first): chr19-6709751-AC-A. GRCh37 (hg19) VCF-style: chr19-6709762-AC-A.
Other names: short protein forms V593fs.
Identifiers: ClinVar variation 2865025 (VCV002865025.3), dbSNP rs2512260688, ClinGen allele CA2739276374.